The following is an entry in ClinVar:

NM_001458.5(FLNC):c.7551_7552del (p.Gly2518fs)

Genes: FLNC-AS1 (FLNC antisense RNA 1; minus strand), FLNC (filamin C; plus strand). Cytogenetic location: 7q32.1.
Variant type: Deletion.
Coding change: c.7551_7552del on transcript NM_001458.5 (MANE Select); coding-DNA positions 7551 to 7552, 2 bases deleted (AG; older notation c.7551_7552delAG).
Protein change: p.Gly2518fs; shifts the reading frame from glycine 2518.
Molecular consequence: frameshift variant.
Genome position (GRCh38, 1-based): chr7:128,856,911-128,856,912, AG deleted; deleting any 2 consecutive bases within chr7:128,856,910-128,856,912 gives the same sequence; the c. name uses the placement nearest the transcript's 3' end. VCF-style (leftmost placement, unchanged base first): chr7-128856909-GGA-G. GRCh37 (hg19) VCF-style: chr7-128496963-GGA-G.
Other names: c.7452_7453del, p.Gly2485fs (NM_001127487.2); short protein forms G2485fs, G2518fs.
Identifiers: ClinVar variation 2951806 (VCV002951806.3), dbSNP rs2536670609, ClinGen allele CA2740094863.

ClinVar aggregate classification (germline): Pathogenic (1 of 4 stars; one submission).

Conditions:
Myofibrillar myopathy 5. Also called: Filaminopathy (type); FILAMINOPATHY, AUTOSOMAL DOMINANT. Identifiers: Orphanet 171445, MedGen C1836050, MONDO:0012289, OMIM 609524.
Distal myopathy with posterior leg and anterior hand involvement. Also called: WILLIAMS DISTAL MYOPATHY. Identifiers: Orphanet 63273, MedGen C3279722, MONDO:0013550, OMIM 614065.
Hypertrophic cardiomyopathy 26. Also called: Cardiomyopathy, familial hypertrophic, 26. Identifiers: Orphanet 75249, MedGen C4310749, MONDO:0014883, OMIM 617047.

Submission:

Labcorp Genetics (formerly Invitae), Labcorp
Classification: Pathogenic for Distal myopathy with posterior leg and anterior hand involvement; Myofibrillar myopathy 5; Hypertrophic cardiomyopathy 26. Last evaluated: 2023-09-10. Review status: criteria provided, single submitter. Criteria: Invitae Variant Classification Sherloc (09022015). Collection method: clinical testing. Allele origin: germline.
Comment: This sequence change creates a premature translational stop signal (p.Gly2518Hisfs*25) in the FLNC gene. It is expected to result in an absent or disrupted protein product. Loss-of-function variants in FLNC are known to be pathogenic (PMID: 27908349). This variant is not present in population databases (gnomAD no frequency). This variant has not been reported in the literature in individuals affected with FLNC-related conditions. For these reasons, this variant has been classified as Pathogenic.

Literature cited by the submitters: PubMed 27908349.